The following is an entry in ClinVar:

ClinVar aggregate classification (germline): Uncertain significance. Review status: criteria provided, multiple submitters, no conflicts (2 of 4 stars). 4 submissions from 4 submitters: Uncertain significance (4). Last evaluated 2025-11-26.

Conditions:
Epidermolysis bullosa simplex 5B, with muscular dystrophy (EBS5B). Also called: Epidermolysis bullosa simplex with muscular dystrophy; EPIDERMOLYSIS BULLOSA SIMPLEX AND LIMB-GIRDLE MUSCULAR DYSTROPHY. Identifiers: Orphanet 257, MedGen C2931072, MONDO:0009181, OMIM 226670.
Epidermolysis bullosa simplex 5C, with pyloric atresia (EBS5C). Also called: PLEC-Related Epidermolysis Bullosa with Pyloric Atresia; Epidermolysis bullosa simplex with pyloric atresia; PLEC1-Related Epidermolysis Bullosa with Pyloric Atresia. Identifiers: Orphanet 158684, MedGen C2677349, MONDO:0012807, OMIM 612138.
Epidermolysis bullosa simplex with nail dystrophy (EBS5D). Identifiers: MedGen C4225309, MONDO:0014661, OMIM 616487.
Epidermolysis bullosa simplex, Ogna type (EBS5A). Also called: Pidermolysis bullosa simplex 5A, Ogna type; EPIDERMOLYSIS BULLOSA SIMPLEX 5A, OGNA TYPE. Identifiers: Orphanet 79401, MedGen C0432317, MONDO:0007555, OMIM 131950.
Autosomal recessive limb-girdle muscular dystrophy type 2Q (LGMDR17). Also called: MUSCULAR DYSTROPHY, LIMB-GIRDLE, AUTOSOMAL RECESSIVE 17. Identifiers: Orphanet 254361, MedGen C3150989, MONDO:0013390, OMIM 613723.
Inborn genetic diseases. Identifiers: MedGen C0950123, MeSH D030342.

Allele frequency attached by ClinVar (database versions not stated): gnomAD 0.00003; ExAC 0.00004; TOPMed 0.00005; gnomAD exomes 0.00007.
gnomAD v4.1: 108 of 1,590,254 alleles (0.0068%); highest among the groups gnomAD compares: Non-Finnish European, 0.0088%; no homozygotes.

Submissions (4):

Ambry Genetics
Classification: Uncertain significance for Inborn genetic diseases. Last evaluated: 2025-11-26. Review status: criteria provided, single submitter. Criteria: Ambry Variant Classification Scheme 2023. Collection method: clinical testing. Allele origin: germline.

Labcorp Genetics (formerly Invitae), Labcorp
Classification: Uncertain significance for Autosomal recessive limb-girdle muscular dystrophy type 2Q; Epidermolysis bullosa simplex, Ogna type; Epidermolysis bullosa simplex with nail dystrophy; Epidermolysis bullosa simplex 5C, with pyloric atresia; Epidermolysis bullosa simplex 5B, with muscular dystrophy. Last evaluated: 2025-10-02. Review status: criteria provided, single submitter. Criteria: Invitae Variant Classification Sherloc (09022015). Collection method: clinical testing. Allele origin: germline.
Comment: This sequence change replaces glutamic acid, which is acidic and polar, with aspartic acid, which is acidic and polar, at codon 2130 of the PLEC protein (p.Glu2130Asp). The frequency data for this variant in the population databases is considered unreliable, as metrics indicate poor data quality at this position in the gnomAD database. This variant has not been reported in the literature in individuals affected with PLEC-related conditions. ClinVar contains an entry for this variant (Variation ID: 2069344). An algorithm developed to predict the effect of missense changes on protein structure and function (PolyPhen-2) suggests that this variant is likely to be tolerated. In summary, the available evidence is currently insufficient to determine the role of this variant in disease. Therefore, it has been classified as a Variant of Uncertain Significance.

CeGaT Center for Human Genetics Tuebingen
Classification: Uncertain significance. Last evaluated: 2024-07-01. Review status: criteria provided, single submitter. Criteria: CeGaT Center For Human Genetics Tuebingen Variant Classification Criteria Version 2. Collection method: clinical testing. Allele origin: germline. Affected: yes. Observed: 1 variant allele.
Comment: PLEC: PM2

Revvity Omics, Revvity
Classification: Uncertain significance. Last evaluated: 2023-10-17. Review status: criteria provided, single submitter. Criteria: ACMG Guidelines, 2015. Collection method: clinical testing. Allele origin: germline.

NM_201384.3(PLEC):c.6309G>T (p.Glu2103Asp)

Gene: PLEC (plectin; minus strand). Cytogenetic location: 8q24.3.
Variant type: single nucleotide variant.
Coding change: c.6309G>T on transcript NM_201384.3 (MANE Select); coding-DNA position 6309, G replaced by T.
Protein change: p.Glu2103Asp; replaces glutamic acid 2103 with aspartic acid.
Molecular consequence: missense variant.
Genome position (GRCh38, 1-based): chr8:143,923,620, C>A on the plus strand (G>T on the coding strand, the complement: PLEC is on the minus strand). VCF-style: chr8-143923620-C-A. GRCh37 (hg19) VCF-style: chr8-144997788-C-A.
Other names: c.6390G>T, p.Glu2130Asp (NM_000445.5); c.6267G>T, p.Glu2089Asp (NM_201378.4); c.6243G>T, p.Glu2081Asp (NM_201379.3); c.6720G>T, p.Glu2240Asp (NM_201380.4); c.6213G>T, p.Glu2071Asp (NM_201381.3); c.6309G>T, p.Glu2103Asp (NM_201382.4); c.6321G>T, p.Glu2107Asp (NM_201383.3); c.6390G>T (NM_000445.3); short protein forms E2071D, E2081D, E2240D, E2089D, E2103D, E2107D, E2130D.
Identifiers: ClinVar variation 2069344 (VCV002069344.23), dbSNP rs781890668, ClinGen allele CA4926046.
Genomic context (GRCh38, chr8:143,923,620, plus strand): 5'-CTCCTCTGCCGACTGCTTCAGCCGCTCGGCCTCTTCCACCTGCCGCCGGGACTGCGCCGC[C>A]TCACGCTCCGCCTGCACCCGGGCCTCCTCCGCCTCCTCAGCCGCCCGCCGGGCCGCCTCC-3'
Protein context (NP_958786.1, residues 2093-2113): AEEARVQAER[Glu2103Asp]AAQSRRQVEE